The following is an entry in ClinVar:

NM_016343.4(CENPF):c.865+1G>A

Gene: CENPF (centromere protein F; plus strand). Cytogenetic location: 1q41.
Variant type: single nucleotide variant.
Coding change: c.865+1G>A on transcript NM_016343.4 (MANE Select); the canonical splice donor site of the intron after coding-DNA position 865, G replaced by A.
Molecular consequence: splice donor variant.
Genome position (GRCh38, 1-based): chr1:214,620,947, G>A. VCF-style: chr1-214620947-G-A. GRCh37 (hg19) VCF-style: chr1-214794290-G-A.
Identifiers: ClinVar variation 4881690 (VCV004881690.2).
Genomic context (GRCh38, chr1:214,620,947, plus strand): 5'-GTTTCTTTGACAATTCTAGCAGTCCTCATCTTTTGGATCAATTAAAAGCGCAGAATCAAG[G>A]TAACATTGAGCTAAGTTAAGTTTAAATTCACTTTGCTTGAGGTAATTTCACAGGTGATTT-3'

ClinVar aggregate classification (germline): Likely pathogenic (1 of 4 stars; one submission).

Conditions:
Stromme syndrome (STROMS). Also called: APPLE PEEL SYNDROME WITH MICROCEPHALY AND OCULAR ANOMALIES; Ciliary dyskinesia, primary, 31; Strømme Syndrome. Identifiers: Orphanet 444069, Orphanet 506307, MedGen C1855705, MONDO:0009477, OMIM 243605.

Submission:

Dasa
Classification: Likely pathogenic for Stromme syndrome. Last evaluated: 2025-08-26. Review status: criteria provided, single submitter. Criteria: DASA Assertion Criteria. Collection method: clinical testing. Allele origin: germline.
Comment: NM_016343.4(CENPF):c.865+1G>A affects a canonical splice site and is predicted to disrupt normal RNA splicing. Loss of function is an established disease mechanism for CENPF-associated disorders. Also, this variant is absent from population databases. Based on the currently available evidence, this variant is classified as likely pathogenic.